The following is an entry in ClinVar:

ClinVar aggregate classification (germline): Uncertain significance. Review status: criteria provided, multiple submitters, no conflicts (2 of 4 stars). 2 submissions from 2 submitters: Uncertain significance (2). Last evaluated 2026-01-13.

Conditions:
Hereditary cancer-predisposing syndrome. Also called: Neoplastic Syndromes, Hereditary; Tumor predisposition; Hereditary neoplastic syndrome; Hereditary Cancer Syndrome. Identifiers: Orphanet 140162, MedGen C0027672, MeSH D009386, MONDO:0015356.

Allele frequency attached by ClinVar (database versions not stated): gnomAD exomes below 0.00001 and 0.00004.
gnomAD v4.1: 22 of 1,614,202 alleles (0.0014%); highest among the groups gnomAD compares: East Asian, 0.047%; no homozygotes.

Submissions (2):

Labcorp Genetics (formerly Invitae), Labcorp
Classification: Uncertain significance. Last evaluated: 2026-01-13. Review status: criteria provided, single submitter. Criteria: Invitae Variant Classification Sherloc (09022015). Collection method: clinical testing. Allele origin: germline.
Comment: This sequence change replaces glycine, which is neutral and non-polar, with glutamic acid, which is acidic and polar, at codon 132 of the HOXB13 protein (p.Gly132Glu). This variant is present in population databases (no rsID available, gnomAD 0.006%). This missense change has been observed in individual(s) with prostate cancer (PMID: 27701467, 31214711, 35534218). It has also been observed to segregate with disease in related individuals. ClinVar contains an entry for this variant (Variation ID: 824429). Invitae Evidence Modeling of protein sequence and biophysical properties (such as structural, functional, and spatial information, amino acid conservation, physicochemical variation, residue mobility, and thermodynamic stability) indicates that this missense variant is not expected to disrupt HOXB13 protein function with a negative predictive value of 80%. In summary, the available evidence is currently insufficient to determine the role of this variant in disease. Therefore, it has been classified as a Variant of Uncertain Significance.

Ambry Genetics
Classification: Uncertain significance for Hereditary cancer-predisposing syndrome. Last evaluated: 2025-09-30. Review status: criteria provided, single submitter. Criteria: Ambry Variant Classification Scheme 2023. Collection method: clinical testing. Allele origin: germline.
Comment: The p.G132E variant (also known as c.395G>A), located in coding exon 1 of the HOXB13 gene, results from a G to A substitution at nucleotide position 395. The glycine at codon 132 is replaced by glutamic acid, an amino acid with similar properties. This alteration was identified in three Japanese prostate cancer families with at least two affected members per family undergoing exome testing, including one individual who was homozygous for p.G132E (Hayano T et al. PLoS ONE, 2016 Oct;11:e0164233). This amino acid position is not well conserved in available vertebrate species. In addition, the in silico prediction for this alteration is inconclusive. Based on the available evidence, the clinical significance of this variant remains unclear.

Literature cited by the submitters: PubMed 27701467 (cited by Labcorp Genetics (formerly Invitae), Labcorp and Ambry Genetics); PubMed 31214711 (cited by Labcorp Genetics (formerly Invitae), Labcorp); PubMed 35534218 (cited by Labcorp Genetics (formerly Invitae), Labcorp); PubMed 29740894 (cited by Ambry Genetics).

NM_006361.6(HOXB13):c.395G>A (p.Gly132Glu)

Gene: HOXB13 (homeobox B13; minus strand). Cytogenetic location: 17q21.32.
Variant type: single nucleotide variant.
Coding change: c.395G>A on transcript NM_006361.6 (MANE Select); coding-DNA position 395, G replaced by A.
Protein change: p.Gly132Glu; replaces glycine 132 with glutamic acid.
Molecular consequence: missense variant.
Genome position (GRCh38, 1-based): chr17:48,728,199, C>T on the plus strand (G>A on the coding strand, the complement: HOXB13 is on the minus strand). VCF-style: chr17-48728199-C-T. GRCh37 (hg19) VCF-style: chr17-46805561-C-T.
Other names: short protein forms G132E.
Identifiers: ClinVar variation 824429 (VCV000824429.14), dbSNP rs1286034091, ClinGen allele CA400107546.